The following is an entry in ClinVar:

ClinVar aggregate classification (germline): Uncertain significance. Review status: criteria provided, multiple submitters, no conflicts (2 of 4 stars). 2 submissions from 2 submitters: Uncertain significance (2). Last evaluated 2025-08-01.

gnomAD v4.1: 7 of 1,613,454 alleles (0.00043%); highest among the groups gnomAD compares: Admixed American, 0.0033%; no homozygotes.

Submissions (2):

Labcorp Genetics (formerly Invitae), Labcorp
Classification: Uncertain significance. Last evaluated: 2025-08-01. Review status: criteria provided, single submitter. Criteria: Invitae Variant Classification Sherloc (09022015). Collection method: clinical testing. Allele origin: germline.
Comment: This sequence change replaces arginine, which is basic and polar, with histidine, which is basic and polar, at codon 133 of the BCAT2 protein (p.Arg133His). The frequency data for this variant in the population databases is considered unreliable, as metrics indicate poor data quality at this position in the gnomAD database. This variant has not been reported in the literature in individuals affected with BCAT2-related conditions. ClinVar contains an entry for this variant (Variation ID: 3990933). Invitae Evidence Modeling of protein sequence and biophysical properties (such as structural, functional, and spatial information, amino acid conservation, physicochemical variation, residue mobility, and thermodynamic stability) has been performed for this missense variant. However, the output from this modeling did not meet the statistical confidence thresholds required to predict the impact of this variant on BCAT2 protein function. In summary, the available evidence is currently insufficient to determine the role of this variant in disease. Therefore, it has been classified as a Variant of Uncertain Significance.

Ambry Genetics
Classification: Uncertain significance. Last evaluated: 2025-03-19. Review status: criteria provided, single submitter. Criteria: Ambry Variant Classification Scheme 2023. Collection method: clinical testing. Allele origin: germline.

NM_001190.4(BCAT2):c.398G>A (p.Arg133His)

Gene: BCAT2 (branched chain amino acid transaminase 2; minus strand). Cytogenetic location: 19q13.33.
Variant type: single nucleotide variant.
Coding change: c.398G>A on transcript NM_001190.4 (MANE Select); coding-DNA position 398, G replaced by A.
Protein change: p.Arg133His; replaces arginine 133 with histidine.
Molecular consequence: missense variant.
Genome position (GRCh38, 1-based): chr19:48,800,200, C>T on the plus strand (G>A on the coding strand, the complement: BCAT2 is on the minus strand). VCF-style: chr19-48800200-C-T. GRCh37 (hg19) VCF-style: chr19-49303457-C-T.
Other names: c.122G>A, p.Arg41His (NM_001164773.2); c.278G>A, p.Arg93His (NM_001284325.2); short protein forms R41H, R93H, R133H.
Identifiers: ClinVar variation 3990933 (VCV003990933.2).